The following is an entry in ClinVar:

NM_021147.5(CCNO):c.605C>T (p.Ala202Val)

Gene: CCNO (cyclin O; minus strand). Cytogenetic location: 5q11.2.
Variant type: single nucleotide variant.
Coding change: c.605C>T on transcript NM_021147.5 (MANE Select); coding-DNA position 605, C replaced by T.
Protein change: p.Ala202Val; replaces alanine 202 with valine.
Molecular consequence: missense variant. On other transcripts: non-coding transcript variant (3).
Genome position (GRCh38, 1-based): chr5:55,231,823, G>A on the plus strand (C>T on the coding strand, the complement: CCNO is on the minus strand). VCF-style: chr5-55231823-G-A. GRCh37 (hg19) VCF-style: chr5-54527651-G-A.
Other names: c.605C>T (NM_021147.3); short protein forms A202V.
Identifiers: ClinVar variation 648954 (VCV000648954.6), dbSNP rs143998638, ClinGen allele CA3266714.

ClinVar aggregate classification (germline): Uncertain significance. Review status: criteria provided, multiple submitters, no conflicts (2 of 4 stars). 2 submissions from 2 submitters: Uncertain significance (2). Last evaluated 2025-11-19.

Conditions:
Inborn genetic diseases. Identifiers: MedGen C0950123, MeSH D030342.
Primary ciliary dyskinesia. Also called: Ciliary dyskinesia. Identifiers: Orphanet 244, MedGen C0008780, MONDO:0016575, HP:0012265.

Allele frequency attached by ClinVar (database versions not stated): gnomAD 0.00019 and 0.00021; 1000 Genomes Project 30x 0.00062; 1000 Genomes Project 0.00080; gnomAD exomes 0.00003 and 0.00004; TOPMed 0.00012; ExAC 0.00013.

Submissions (2):

Ambry Genetics
Classification: Uncertain significance for Inborn genetic diseases. Last evaluated: 2025-11-19. Review status: criteria provided, single submitter. Criteria: Ambry Variant Classification Scheme 2023. Collection method: clinical testing. Allele origin: germline.

Labcorp Genetics (formerly Invitae), Labcorp
Classification: Uncertain significance for Primary ciliary dyskinesia. Last evaluated: 2022-07-26. Review status: criteria provided, single submitter. Criteria: Invitae Variant Classification Sherloc (09022015). Collection method: clinical testing. Allele origin: germline.
Comment: This sequence change replaces alanine, which is neutral and non-polar, with valine, which is neutral and non-polar, at codon 202 of the CCNO protein (p.Ala202Val). The frequency data for this variant in the population databases is considered unreliable, as metrics indicate poor data quality at this position in the gnomAD database. This variant has not been reported in the literature in individuals affected with CCNO-related conditions. ClinVar contains an entry for this variant (Variation ID: 648954). Algorithms developed to predict the effect of missense changes on protein structure and function are either unavailable or do not agree on the potential impact of this missense change (SIFT: "Tolerated"; PolyPhen-2: "Possibly Damaging"; Align-GVGD: "Class C0"). In summary, the available evidence is currently insufficient to determine the role of this variant in disease. Therefore, it has been classified as a Variant of Uncertain Significance.